The following is an entry in ClinVar:

ClinVar aggregate classification (germline): Likely benign (1 of 4 stars; one submission).

Allele frequency attached by ClinVar (database versions not stated): gnomAD 0.00001; gnomAD exomes 0.00001 and 0.00002; ExAC 0.00002; TOPMed 0.00003.
gnomAD v4.1: 6 of 1,613,510 alleles (0.00037%); highest among the groups gnomAD compares: African/African-American, 0.008%; no homozygotes.

Submission:

GeneDx
Classification: Likely benign. Last evaluated: 2016-05-26. Review status: criteria provided, single submitter. Criteria: GeneDx Variant Classification (06012015). Collection method: clinical testing. Allele origin: germline. Affected: yes.
Comment: This variant is considered likely benign or benign based on one or more of the following criteria: it is a conservative change, it occurs at a poorly conserved position in the protein, it is predicted to be benign by multiple in silico algorithms, and/or has population frequency not consistent with disease.

NM_178862.3(STT3B):c.1824C>T (p.Gly608=)

Gene: STT3B (STT3 oligosaccharyltransferase complex catalytic subunit B; plus strand). Cytogenetic location: 3p23.
Variant type: single nucleotide variant.
Coding change: c.1824C>T on transcript NM_178862.3 (MANE Select); coding-DNA position 1824, C replaced by T.
Protein change: p.Gly608=; no amino-acid change (glycine 608 retained).
Molecular consequence: synonymous variant.
Genome position (GRCh38, 1-based): chr3:31,625,010, C>T. VCF-style: chr3-31625010-C-T. GRCh37 (hg19) VCF-style: chr3-31666502-C-T.
Identifiers: ClinVar variation 386042 (VCV000386042.1), dbSNP rs748224551, ClinGen allele CA2295284.